The following is an entry in ClinVar:

NM_000289.6(PFKM):c.2199-12A>G

Gene: PFKM (phosphofructokinase, muscle; plus strand). Cytogenetic location: 12q13.11.
Variant type: single nucleotide variant.
Coding change: c.2199-12A>G on transcript NM_000289.6 (MANE Select); 12 bases into the intron before coding-DNA position 2199, A replaced by G.
Molecular consequence: intron variant.
Genome position (GRCh38, 1-based): chr12:48,145,552, A>G. VCF-style: chr12-48145552-A-G. GRCh37 (hg19) VCF-style: chr12-48539335-A-G.
Other names: p.?; c.2223-12A>G (NM_001354741.2); c.2199-12A>G (NM_001354742.2, NM_001354743.2, NM_001354744.2 and 2 more transcripts); c.2049-12A>G (NM_001354747.2, NM_001354748.2); c.2412-12A>G (NM_001166686.2, NM_001354737.1, NM_001354739.1 and 1 more transcripts); c.2508-12A>G (NM_001354736.1, NM_001354735.1); c.2343-12A>G (NM_001354740.1); c.2112-12A>G (NM_001354745.2); and 2 more.
Identifiers: ClinVar variation 308957 (VCV000308957.18), dbSNP rs202008060, ClinGen allele CA6537573.

ClinVar aggregate classification (germline): Benign/Likely benign. Review status: criteria provided, multiple submitters, no conflicts (2 of 4 stars). 6 submissions from 6 submitters: Benign (1); Likely benign (5). Last evaluated 2026-02-01.

Conditions:
Glycogen storage disease, type VII (GSD7). Also called: GSD VII; MUSCLE PHOSPHOFRUCTOKINASE DEFICIENCY; PFKM DEFICIENCY; TARUI DISEASE. Identifiers: Orphanet 371, MedGen C0017926, MONDO:0009295, OMIM 232800.

Allele frequency attached by ClinVar (database versions not stated): 1000 Genomes Project 30x 0.00031; 1000 Genomes Project 0.00040; gnomAD exomes 0.00186; ExAC 0.00196; gnomAD 0.00196 and 0.00204; TOPMed 0.00199; ESP Exome Variant Server 0.00261.
gnomAD v4.1: 4,936 of 1,613,974 alleles (0.31%); highest among the groups gnomAD compares: Non-Finnish European, 0.4%; 11 homozygotes.

Submissions (6):

Labcorp Genetics (formerly Invitae), Labcorp
Classification: Benign for Glycogen storage disease, type VII. Last evaluated: 2026-02-01. Review status: criteria provided, single submitter. Criteria: Invitae Variant Classification Sherloc (09022015). Collection method: clinical testing. Allele origin: germline.

Mayo Clinic Laboratories, Mayo Clinic
Classification: Likely benign. Last evaluated: 2025-04-14. Review status: criteria provided, single submitter. Criteria: ACMG Guidelines, 2015. Collection method: clinical testing. Allele origin: germline. Observed: 13 variant alleles.
Comment: BP4, BP7

ARUP Laboratories, Molecular Genetics and Genomics, ARUP Laboratories
Classification: Likely benign for Glycogen storage disease, type VII. Last evaluated: 2024-12-24. Review status: criteria provided, single submitter. Criteria: ARUP Molecular Germline Variant Investigation Process 2024. Collection method: clinical testing. Allele origin: germline.

Blueprint Genetics
Classification: Likely benign. Last evaluated: 2024-11-18. Review status: criteria provided, single submitter. Criteria: ACMG Guidelines, 2015. Collection method: clinical testing. Allele origin: germline.

GeneDx
Classification: Likely benign. Last evaluated: 2021-03-02. Review status: criteria provided, single submitter. Criteria: GeneDx Variant Classification Process June 2021. Collection method: clinical testing. Allele origin: germline. Affected: yes.

Illumina Laboratory Services, Illumina
Classification: Likely benign for Glycogen storage disease, type VII. Last evaluated: 2018-01-12. Review status: criteria provided, single submitter. Criteria: ICSL Variant Classification Criteria 13 December 2019. Collection method: clinical testing. Allele origin: germline.
Comment: This variant was observed in the ICSL laboratory as part of a predisposition screen in an ostensibly healthy population. It had not been previously curated by ICSL or reported in the Human Gene Mutation Database (HGMD: prior to June 1st, 2018), and was therefore a candidate for classification through an automated scoring system. Utilizing variant allele frequency, disease prevalence and penetrance estimates, and inheritance mode, an automated score was calculated to assess if this variant is too frequent to cause the disease. Based on the score and internal cut-off values, a variant classified as likely benign is not then subjected to further curation. The score for this variant resulted in a classification of likely benign for this disease.